The following is an entry in ClinVar:

ClinVar aggregate classification (germline): Pathogenic/Likely pathogenic. Review status: criteria provided, multiple submitters, no conflicts (2 of 4 stars). 3 submissions from 3 submitters: Pathogenic (1); Likely pathogenic (2). Last evaluated 2025-08-04.

Conditions:
Spastic paraplegia. Identifiers: MedGen C0037772, HP:0001258.
Hereditary spastic paraplegia 35. Also called: Spastic paraplegia 35; LEUKODYSTROPHY, DYSMYELINATING, AND SPASTIC PARAPARESIS WITH OR WITHOUT DYSTONIA; Spastic paraplegia 35, autosomal recessive; SPASTIC PARAPLEGIA 35, AUTOSOMAL RECESSIVE, WITH OR WITHOUT NEURODEGENERATION. Identifiers: Orphanet 171629, MedGen C3496228, MONDO:0012866, OMIM 612319.

Allele frequency attached by ClinVar (database versions not stated): TOPMed 0.00001; gnomAD 0.00003.
gnomAD v4.1: 2 of 1,516,280 alleles (0.00013%); highest among the groups gnomAD compares: African/African-American, 0.0014%; no homozygotes.

Submissions (3):

Women's Health and Genetics/Laboratory Corporation of America, LabCorp
Classification: Pathogenic for Hereditary spastic paraplegia 35. Last evaluated: 2025-08-04. Review status: criteria provided, single submitter. Criteria: LabCorp Variant Classification Summary - May 2015. Collection method: clinical testing. Allele origin: germline.
Comment: Variant summary: FA2H c.130C>T (p.Pro44Ser) results in a non-conservative amino acid change located in the Cytochrome b5-like heme/steroid binding domain of the encoded protein sequence. Algorithms developed to predict the effect of missense changes on protein structure and function all suggest that this variant is likely to be disruptive. The variant was absent in 109458 control chromosomes. c.130C>T has been observed in two individuals affected with Hereditary Spastic Paraplegia 35 (Incecik_2018, Meszarosova_2019). These data indicate that the variant is likely to be associated with disease. A different variant affecting the same codon has been classified as likely pathogenic/pathogenic by our lab (c.131C>A, p.Pro44Gln), supporting the critical relevance of codon 44 to FA2H protein function. To our knowledge, no experimental evidence demonstrating an impact on protein function has been reported. The following publications have been ascertained in the context of this evaluation (PMID: 30532373, 30446360). ClinVar contains an entry for this variant (Variation ID: 449574). Based on the evidence outlined above, the variant was classified as pathogenic.

Labcorp Genetics (formerly Invitae), Labcorp
Classification: Likely pathogenic for Spastic paraplegia. Last evaluated: 2024-05-02. Review status: criteria provided, single submitter. Criteria: Invitae Variant Classification Sherloc (09022015). Collection method: clinical testing. Allele origin: germline.
Comment: This sequence change replaces proline, which is neutral and non-polar, with serine, which is neutral and polar, at codon 44 of the FA2H protein (p.Pro44Ser). This variant is not present in population databases (gnomAD no frequency). This missense change has been observed in individuals with hereditary spastic paraplegia (PMID: 30446360, 30532373). ClinVar contains an entry for this variant (Variation ID: 449574). Advanced modeling of protein sequence and biophysical properties (such as structural, functional, and spatial information, amino acid conservation, physicochemical variation, residue mobility, and thermodynamic stability) performed at Invitae indicates that this missense variant is expected to disrupt FA2H protein function with a positive predictive value of 80%. This variant disrupts the p.Pro44 amino acid residue in FA2H. Other variant(s) that disrupt this residue have been determined to be pathogenic (PMID: 27316240, 33059505; Invitae). This suggests that this residue is clinically significant, and that variants that disrupt this residue are likely to be disease-causing. In summary, the currently available evidence indicates that the variant is pathogenic, but additional data are needed to prove that conclusively. Therefore, this variant has been classified as Likely Pathogenic.

GeneDx
Classification: Likely pathogenic. Last evaluated: 2022-08-18. Review status: criteria provided, single submitter. Criteria: GeneDx Variant Classification Process June 2021. Collection method: clinical testing. Allele origin: germline. Affected: yes.
Comment: Not observed at significant frequency in large population cohorts (gnomAD); In silico analysis supports that this missense variant has a deleterious effect on protein structure/function; This variant is associated with the following publications: (PMID: 30532373, 30446360, 24359114, 34852264)

Literature cited by the submitters: PubMed 30532373 (cited by Women's Health and Genetics/Laboratory Corporation of America, LabCorp and Labcorp Genetics (formerly Invitae), Labcorp); PubMed 30446360 (cited by Women's Health and Genetics/Laboratory Corporation of America, LabCorp and Labcorp Genetics (formerly Invitae), Labcorp); PubMed 27316240 (cited by Labcorp Genetics (formerly Invitae), Labcorp); PubMed 33059505 (cited by Labcorp Genetics (formerly Invitae), Labcorp).

NM_024306.5(FA2H):c.130C>T (p.Pro44Ser)

Genes: FA2H (fatty acid 2-hydroxylase; minus strand), LOC130059394 (ATAC-STARR-seq lymphoblastoid silent region 7701; plus strand). Cytogenetic location: 16q23.1.
Variant type: single nucleotide variant.
Coding change: c.130C>T on transcript NM_024306.5 (MANE Select); coding-DNA position 130, C replaced by T.
Protein change: p.Pro44Ser; replaces proline 44 with serine.
Molecular consequence: missense variant.
Genome position (GRCh38, 1-based): chr16:74,774,626, G>A on the plus strand (C>T on the coding strand, the complement: FA2H is on the minus strand). VCF-style: chr16-74774626-G-A. GRCh37 (hg19) VCF-style: chr16-74808524-G-A.
Other names: short protein forms P44S.
Identifiers: ClinVar variation 449574 (VCV000449574.9), dbSNP rs1268722908, ClinGen allele CA396768354.
Genomic context (GRCh38, chr16:74,774,626, plus strand): 5'-CGTCCAGGTCGGCGCTGATGTCCTGGCCCGCCCTGGCCCGCAGCAGCTGCTCGCCCCCCG[G>A]GTGGTGCCGCACGAAGCTGGAGAGGTCGTAGAGGCGGGCCCCGCGGCGGACCCAGCACGC-3'
Protein context (NP_077282.3, residues 34-54): YDLSSFVRHH[Pro44Ser]GGEQLLRARA